The following is an entry in ClinVar:

NM_004415.4(DSP):c.3918T>C (p.Asn1306=)

Gene: DSP (desmoplakin; plus strand). Cytogenetic location: 6p24.3.
Variant type: single nucleotide variant.
Coding change: c.3918T>C on transcript NM_004415.4 (MANE Select); coding-DNA position 3918, T replaced by C.
Protein change: p.Asn1306=; no amino-acid change (asparagine 1306 retained).
Molecular consequence: synonymous variant. On other transcripts: intron variant (1).
Genome position (GRCh38, 1-based): chr6:7,580,108, T>C. VCF-style: chr6-7580108-T-C. GRCh37 (hg19) VCF-style: chr6-7580341-T-C.
Other names: c.3918T>C (LRG_423t1); c.3918T>C, p.Asn1306= (NM_001319034.2); c.3582+336T>C (NM_001008844.3).
Identifiers: ClinVar variation 515088 (VCV000515088.13), dbSNP rs761749643, ClinGen allele CA039568.

ClinVar aggregate classification (germline): Likely benign. Review status: criteria provided, multiple submitters, no conflicts (2 of 4 stars). 4 submissions from 4 submitters: Likely benign (4). Last evaluated 2025-03-30.

Conditions:
Arrhythmogenic cardiomyopathy with wooly hair and keratoderma. Also called: PALMOPLANTAR KERATODERMA WITH LEFT VENTRICULAR CARDIOMYOPATHY AND WOOLLY HAIR; Carvajal syndrome; Dilated cardiomyopathy with woolly hair and keratoderma; Arrhythmogenic cardiomyopathy with woolly hair and keratoderma. Identifiers: Orphanet 65282, MedGen C1854063, MONDO:0011581, OMIM 605676.
Arrhythmogenic right ventricular dysplasia 8 (ARVD8). Also called: ARRHYTHMOGENIC RIGHT VENTRICULAR DYSPLASIA, FAMILIAL, 8; ARRHYTHMOGENIC RIGHT VENTRICULAR CARDIOMYOPATHY 8; Arrhythmogenic Right Ventricular Dysplasia/Cardiomyopathy 8. Identifiers: MedGen C1843896, MONDO:0011831, OMIM 607450.
Cardiomyopathy (CMYO). Also called: Cardiomyopathies. Identifiers: Orphanet 167848, MedGen C0878544, MONDO:0004994, HP:0001638. Inheritance: Various modes of inheritance.

Allele frequency attached by ClinVar (database versions not stated): gnomAD exomes below 0.00001 and 0.00001; ExAC 0.00001.
gnomAD v4.1: 8 of 1,613,922 alleles (0.0005%); highest among the groups gnomAD compares: East Asian, 0.0022%; no homozygotes.

Submissions (4):

Labcorp Genetics (formerly Invitae), Labcorp
Classification: Likely benign for Arrhythmogenic cardiomyopathy with wooly hair and keratoderma; Arrhythmogenic right ventricular dysplasia 8. Last evaluated: 2025-03-30. Review status: criteria provided, single submitter. Criteria: Invitae Variant Classification Sherloc (09022015). Collection method: clinical testing. Allele origin: germline.

All of Us Research Program, National Institutes of Health
Classification: Likely benign for Arrhythmogenic cardiomyopathy with wooly hair and keratoderma. Last evaluated: 2023-05-31. Review status: criteria provided, single submitter. Criteria: ACMG Guidelines, 2015. Collection method: clinical testing. Allele origin: germline. Inheritance: Autosomal dominant inheritance. Observed: 2 variant alleles, 2 heterozygotes.
Comment: This study involves interpretation of variants in research participants for the purpose of population health screening. Participant phenotype was not available at the time of variant classification. Additional details can be found in publication PMID: 35346344, PMCID: PMC8962531

Color Diagnostics, LLC DBA Color Health
Classification: Likely benign for Cardiomyopathy. Last evaluated: 2019-07-09. Review status: criteria provided, single submitter. Criteria: ACMG Guidelines, 2015. Collection method: clinical testing. Allele origin: germline.

GeneDx
Classification: Likely benign. Last evaluated: 2018-01-26. Review status: criteria provided, single submitter. Criteria: GeneDx Variant Classification (06012015). Collection method: clinical testing. Allele origin: germline. Affected: yes.
Comment: This variant is considered likely benign or benign based on one or more of the following criteria: it is a conservative change, it occurs at a poorly conserved position in the protein, it is predicted to be benign by multiple in silico algorithms, and/or has population frequency not consistent with disease.